The following is an entry in ClinVar:

ClinVar aggregate classification (germline): Likely benign (1 of 4 stars; one submission).

gnomAD v4.1: 3,796 of 1,535,378 alleles (0.25%); highest among the groups gnomAD compares: Non-Finnish European, 0.29%; 3 homozygotes.

Submission:

CeGaT Center for Human Genetics Tuebingen
Classification: Likely benign. Last evaluated: 2025-06-01. Review status: criteria provided, single submitter. Criteria: CeGaT Center For Human Genetics Tuebingen Variant Classification Criteria Version 2. Collection method: clinical testing. Allele origin: germline. Affected: yes. Observed: 1 variant allele.
Comment: FBXL16: BP4, BP7

NM_153350.4(FBXL16):c.84C>T (p.Asn28=)

Gene: FBXL16 (F-box and leucine rich repeat protein 16; minus strand). Cytogenetic location: 16p13.3.
Variant type: single nucleotide variant.
Coding change: c.84C>T on transcript NM_153350.4 (MANE Select); coding-DNA position 84, C replaced by T.
Protein change: p.Asn28=; no amino-acid change (asparagine 28 retained).
Molecular consequence: synonymous variant.
Genome position (GRCh38, 1-based): chr16:697,322, G>A on the plus strand (C>T on the coding strand, the complement: FBXL16 is on the minus strand). VCF-style: chr16-697322-G-A. GRCh37 (hg19) VCF-style: chr16-747322-G-A.
Identifiers: ClinVar variation 3904978 (VCV003904978.10).